The following is an entry in ClinVar:

ClinVar aggregate classification (germline): Uncertain significance (1 of 4 stars; one submission).

Allele frequency attached by ClinVar (database versions not stated): gnomAD exomes below 0.00001.

Submission:

CeGaT Center for Human Genetics Tuebingen
Classification: Uncertain significance. Last evaluated: 2022-12-01. Review status: criteria provided, single submitter. Criteria: CeGaT Center For Human Genetics Tuebingen Variant Classification Criteria Version 2. Collection method: clinical testing. Allele origin: germline. Affected: yes. Observed: 1 variant allele.
Comment: SETD5: PM2

NM_001080517.3(SETD5):c.860G>A (p.Arg287Lys)

Gene: SETD5 (SET domain containing 5; plus strand). Cytogenetic location: 3p25.3.
Variant type: single nucleotide variant.
Coding change: c.860G>A on transcript NM_001080517.3 (MANE Select); coding-DNA position 860, G replaced by A.
Protein change: p.Arg287Lys; replaces arginine 287 with lysine.
Molecular consequence: missense variant.
Genome position (GRCh38, 1-based): chr3:9,441,642, G>A. VCF-style: chr3-9441642-G-A. GRCh37 (hg19) VCF-style: chr3-9483326-G-A.
Other names: c.566G>A, p.Arg189Lys (NM_001292043.2, NM_001349451.2); short protein forms R189K, R287K.
Identifiers: ClinVar variation 2653474 (VCV002653474.24), dbSNP rs1186046013, ClinGen allele CA351688414.
Genomic context (GRCh38, chr3:9,441,642, plus strand): 5'-GTTTTATTCAGTTACAGCTGGGAAGAGTCACTCGTGTTCAAAAGCACCGGAAGATCCTGA[G>A]GGCTGCAAGAGATTTGGCTTTGGACACTCTTATAATAGAGTATCGTGGGAAAGTCATGTT-3'
Protein context (NP_001073986.1, residues 277-297): TRVQKHRKIL[Arg287Lys]AARDLALDTL